The following is an entry in ClinVar:

ClinVar aggregate classification (germline): Uncertain significance (1 of 4 stars; one submission).

Conditions:
Kabuki syndrome. Also called: Kabuki make-up syndrome; NIIKAWA-KUROKI SYNDROME. Identifiers: Orphanet 2322, MedGen C0796004, MONDO:0016512.

gnomAD v4.1: 5 of 1,519,054 alleles (0.00033%); highest among the groups gnomAD compares: Non-Finnish European, 0.00035%; no homozygotes.

Submission:

Labcorp Genetics (formerly Invitae), Labcorp
Classification: Uncertain significance for Kabuki syndrome. Last evaluated: 2022-07-15. Review status: criteria provided, single submitter. Criteria: Invitae Variant Classification Sherloc (09022015). Collection method: clinical testing. Allele origin: germline.
Comment: Advanced modeling of protein sequence and biophysical properties (such as structural, functional, and spatial information, amino acid conservation, physicochemical variation, residue mobility, and thermodynamic stability) performed at Invitae indicates that this missense variant is not expected to disrupt KMT2D protein function. This sequence change replaces proline, which is neutral and non-polar, with serine, which is neutral and polar, at codon 844 of the KMT2D protein (p.Pro844Ser). This variant is not present in population databases (gnomAD no frequency). This variant has not been reported in the literature in individuals affected with KMT2D-related conditions. In summary, the available evidence is currently insufficient to determine the role of this variant in disease. Therefore, it has been classified as a Variant of Uncertain Significance.

NM_003482.4(KMT2D):c.2530C>T (p.Pro844Ser)

Gene: KMT2D (lysine methyltransferase 2D; minus strand). Cytogenetic location: 12q13.12.
Variant type: single nucleotide variant.
Coding change: c.2530C>T on transcript NM_003482.4 (MANE Select); coding-DNA position 2530, C replaced by T.
Protein change: p.Pro844Ser; replaces proline 844 with serine.
Molecular consequence: missense variant.
Genome position (GRCh38, 1-based): chr12:49,051,153, G>A on the plus strand (C>T on the coding strand, the complement: KMT2D is on the minus strand). VCF-style: chr12-49051153-G-A. GRCh37 (hg19) VCF-style: chr12-49444936-G-A.
Other names: short protein forms P844S.
Identifiers: ClinVar variation 2059634 (VCV002059634.4), dbSNP rs1196290590, ClinGen allele CA384665608.